The following is an entry in ClinVar:

ClinVar aggregate classification (germline): Likely pathogenic (1 of 4 stars; one submission).

Conditions:
Intellectual developmental disorder, X-linked 90. Also called: DLG3-Related X-Linked Nonsyndromic Mental Retardation; Intellectual disability, X-linked 90. Identifiers: Orphanet 777, MedGen C3275443, MONDO:0010452, OMIM 300850.

Submission:

Equipe Genetique des Anomalies du Developpement, Université de Bourgogne
Classification: Likely pathogenic for Intellectual developmental disorder, X-linked 90. Last evaluated: 2025-01-31. Review status: criteria provided, single submitter. Criteria: ACMG Guidelines, 2015. Collection method: clinical testing. Allele origin: germline. Affected: yes.
Comment: This copy number variant is a deletion encompassing the last exon of DLG3. It occurred de novo. Hemizygous pathogenic variants in DLG3 are reported in an autosomal dominant intellectual disability (OMIM #300850). This variant is not present in population database (DECIPHER, DGV-Gold). Based on these evidences, the variant was classified as likely pathogenic.

NC_000023.11:g.(70500990_70502096)_(70502336_?)del

Gene: DLG3 (discs large MAGUK scaffold protein 3; plus strand). Cytogenetic location: Xq13.1.
Variant type: Deletion.
Identifiers: ClinVar variation 3770138 (VCV003770138.1).